The following is an entry in ClinVar:

ClinVar aggregate classification (germline): Uncertain significance (1 of 4 stars; one submission).

Conditions:
Tuberous sclerosis 1 (TSC1). Identifiers: Orphanet 805, MedGen C1854465, MONDO:0008612, OMIM 191100.

Submission:

Labcorp Genetics (formerly Invitae), Labcorp
Classification: Uncertain significance for Tuberous sclerosis 1. Last evaluated: 2021-04-08. Review status: criteria provided, single submitter. Criteria: Invitae Variant Classification Sherloc (09022015). Collection method: clinical testing. Allele origin: germline.
Comment: In summary, the available evidence is currently insufficient to determine the role of this variant in disease. Therefore, it has been classified as a Variant of Uncertain Significance. Algorithms developed to predict the effect of missense changes on protein structure and function are either unavailable or do not agree on the potential impact of this missense change (SIFT: "Tolerated"; PolyPhen-2: "Probably Damaging"; Align-GVGD: "Class C0"). This variant has not been reported in the literature in individuals with TSC1-related conditions. This variant is not present in population databases (ExAC no frequency). This sequence change replaces glutamic acid with glutamine at codon 217 of the TSC1 protein (p.Glu217Gln). The glutamic acid residue is moderately conserved and there is a small physicochemical difference between glutamic acid and glutamine.

NM_000368.5(TSC1):c.649G>C (p.Glu217Gln)

Gene: TSC1 (TSC complex subunit 1; minus strand). Cytogenetic location: 9q34.13.
Variant type: single nucleotide variant.
Coding change: c.649G>C on transcript NM_000368.5 (MANE Select); coding-DNA position 649, G replaced by C.
Protein change: p.Glu217Gln; replaces glutamic acid 217 with glutamine.
Molecular consequence: missense variant.
Genome position (GRCh38, 1-based): chr9:132,921,833, C>G on the plus strand (G>C on the coding strand, the complement: TSC1 is on the minus strand). VCF-style: chr9-132921833-C-G. GRCh37 (hg19) VCF-style: chr9-135797220-C-G.
Other names: c.649G>C, p.Glu217Gln (NM_001162426.2); c.496G>C, p.Glu166Gln (NM_001162427.2); c.286G>C, p.Glu96Gln (NM_001362177.2); short protein forms E217Q, E166Q, E96Q.
Identifiers: ClinVar variation 1419382 (VCV001419382.8), dbSNP rs2132150199, ClinGen allele CA375371677.